The following is an entry in ClinVar:

ClinVar aggregate classification (germline): Likely pathogenic (1 of 4 stars; one submission).

Conditions:
Muscular dystrophy-dystroglycanopathy (congenital with brain and eye anomalies), type a, 11 (MDDGA11). Also called: WALKER-WARBURG SYNDROME OR MUSCLE-EYE-BRAIN DISEASE, B3GALNT2-RELATED; Congenital muscular dystrophy-dystroglycanopathy with brain and eye anomalies, type A11; Muscular dystrophy-dystroglycanopathy (congenital with brain and eye anomalies, type A, 11. Identifiers: Orphanet 588, Orphanet 899, MedGen C3554638, MONDO:0014071, OMIM 615181.

Allele frequency attached by ClinVar (database versions not stated): gnomAD exomes below 0.00001.
gnomAD v4.1: 1 of 1,613,578 alleles (0.000062%); highest among the groups gnomAD compares: Non-Finnish European, 0.000085%; no homozygotes.

Submission:

Labcorp Genetics (formerly Invitae), Labcorp
Classification: Likely pathogenic for Muscular dystrophy-dystroglycanopathy (congenital with brain and eye anomalies), type a, 11. Last evaluated: 2022-01-14. Review status: criteria provided, single submitter. Criteria: Invitae Variant Classification Sherloc (09022015). Collection method: clinical testing. Allele origin: germline.
Comment: This variant is not present in population databases (gnomAD no frequency). This sequence change affects an acceptor splice site in intron 5 of the B3GALNT2 gene. It is expected to disrupt RNA splicing. Variants that disrupt the donor or acceptor splice site typically lead to a loss of protein function (PMID: 16199547), and loss-of-function variants in B3GALNT2 are known to be pathogenic (PMID: 23453667). This variant has not been reported in the literature in individuals affected with B3GALNT2-related conditions. ClinVar contains an entry for this variant (Variation ID: 473888). Algorithms developed to predict the effect of sequence changes on RNA splicing suggest that this variant may disrupt the consensus splice site. In summary, the currently available evidence indicates that the variant is pathogenic, but additional data are needed to prove that conclusively. Therefore, this variant has been classified as Likely Pathogenic.

Literature cited by the submitters: PubMed 16199547; PubMed 23453667.

NM_152490.5(B3GALNT2):c.652-2A>G

Gene: B3GALNT2 (beta-1,3-N-acetylgalactosaminyltransferase 2; minus strand). Cytogenetic location: 1q42.3.
Variant type: single nucleotide variant.
Coding change: c.652-2A>G on transcript NM_152490.5 (MANE Select); the canonical splice acceptor site of the intron before coding-DNA position 652, A replaced by G.
Molecular consequence: splice acceptor variant.
Genome position (GRCh38, 1-based): chr1:235,470,962, T>C on the plus strand (A>G on the coding strand, the complement: B3GALNT2 is on the minus strand). VCF-style: chr1-235470962-T-C. GRCh37 (hg19) VCF-style: chr1-235634276-T-C.
Other names: c.775-2A>G (NM_001277155.3).
Identifiers: ClinVar variation 473888 (VCV000473888.11), dbSNP rs1553347936, ClinGen allele CA344920242.